The following is an entry in ClinVar:

ClinVar aggregate classification (germline): Uncertain significance. Review status: criteria provided, single submitter (1 of 4 stars). 2 submissions from 2 submitters: Uncertain significance (1). 1 of the submissions does not count toward it. Last evaluated 2022-08-09.

Conditions:
Nemaline myopathy 2 (NEM2). Also called: Nemaline myopathy 2, autosomal recessive. Identifiers: MedGen C1850569, MONDO:0009725, OMIM 256030.

Allele frequency attached by ClinVar (database versions not stated): gnomAD exomes 0.00001; TOPMed 0.00001.
gnomAD v4.1: 6 of 1,578,724 alleles (0.00038%); highest among the groups gnomAD compares: Middle Eastern, 0.033%; no homozygotes.

Submissions (2):

Labcorp Genetics (formerly Invitae), Labcorp
Classification: Uncertain significance for Nemaline myopathy 2. Last evaluated: 2022-08-09. Review status: criteria provided, single submitter. Criteria: Invitae Variant Classification Sherloc (09022015). Collection method: clinical testing. Allele origin: germline.
Comment: This sequence change affects codon 1537 of the NEB mRNA. It is a 'silent' change, meaning that it does not change the encoded amino acid sequence of the NEB protein. It affects a nucleotide within the consensus splice site. This variant is not present in population databases (gnomAD no frequency). This variant has not been reported in the literature in individuals affected with NEB-related conditions. ClinVar contains an entry for this variant (Variation ID: 1019439). Algorithms developed to predict the effect of sequence changes on RNA splicing suggest that this variant is not likely to affect RNA splicing. In summary, the available evidence is currently insufficient to determine the role of this variant in disease. Therefore, it has been classified as a Variant of Uncertain Significance.

Natera, Inc.
Classification: Uncertain significance for Nemaline myopathy type 2. Last evaluated: 2020-10-05. Review status: no assertion criteria provided. Collection method: clinical testing. Allele origin: germline. Not counted in ClinVar's aggregate classification.

NM_001164508.2(NEB):c.4611T>C (p.Asp1537=)

Gene: NEB (nebulin; minus strand). Cytogenetic location: 2q23.3.
Variant type: single nucleotide variant.
Coding change: c.4611T>C on transcript NM_001164508.2 (MANE Select); coding-DNA position 4611, T replaced by C.
Protein change: p.Asp1537=; no amino-acid change (aspartic acid 1537 retained).
Molecular consequence: synonymous variant.
Genome position (GRCh38, 1-based): chr2:151,669,027, A>G on the plus strand (T>C on the coding strand, the complement: NEB is on the minus strand). VCF-style: chr2-151669027-A-G. GRCh37 (hg19) VCF-style: chr2-152525541-A-G.
Other names: c.4611T>C, p.Asp1537= (NM_001164507.2, NM_001271208.2, NM_004543.5).
Identifiers: ClinVar variation 1019439 (VCV001019439.6), dbSNP rs2099254265, ClinGen allele CA429242219.